The following is an entry in ClinVar:

ClinVar aggregate classification (germline): Uncertain significance (1 of 4 stars; one submission).

Submission:

Ambry Genetics
Classification: Uncertain significance. Last evaluated: 2025-03-03. Review status: criteria provided, single submitter. Criteria: Ambry Variant Classification Scheme 2023. Collection method: clinical testing. Allele origin: germline.
Comment: The p.S1087P variant (also known as c.3259T>C), located in coding exon 20 of the PKP4 gene, results from a T to C substitution at nucleotide position 3259. The serine at codon 1087 is replaced by proline, an amino acid with similar properties. This amino acid position is conserved. In addition, the in silico prediction for this alteration is inconclusive. Based on the available evidence, the clinical significance of this variant remains unclear.

NM_003628.6(PKP4):c.3259T>C (p.Ser1087Pro)

Genes: PKP4 (plakophilin 4; plus strand), PKP4-AS1 (PKP4 antisense RNA 1; minus strand). Cytogenetic location: 2q24.1.
Variant type: single nucleotide variant.
Coding change: c.3259T>C on transcript NM_003628.6 (MANE Select); coding-DNA position 3259, T replaced by C.
Protein change: p.Ser1087Pro; replaces serine 1087 with proline.
Molecular consequence: missense variant.
Genome position (GRCh38, 1-based): chr2:158,678,583, T>C. VCF-style: chr2-158678583-T-C. GRCh37 (hg19) VCF-style: chr2-159535095-T-C.
Other names: c.3130T>C, p.Ser1044Pro (NM_001005476.4, NM_001377225.1); c.3256T>C, p.Ser1086Pro (NM_001304969.3, NM_001377219.1, NM_001377220.1 and 1 more transcripts); c.2230T>C, p.Ser744Pro (NM_001304970.3); c.3259T>C, p.Ser1087Pro (NM_001377218.1); c.3253T>C, p.Ser1085Pro (NM_001377222.1, NM_001377223.1); c.3250T>C, p.Ser1084Pro (NM_001377224.1); c.3127T>C, p.Ser1043Pro (NM_001377226.1); short protein forms S1084P, S1086P, S744P, S1044P, S1085P, S1043P, S1087P.
Identifiers: ClinVar variation 3889693 (VCV003889693.1).
Genomic context (GRCh38, chr2:158,678,583, plus strand): 5'-GCCTAATGGACCAGAGTAATAAGCACTAGTTTTAATTTCATAAAATATTTTCTTACAGGC[T>C]CCAGCAAACCTTCACCAATTTACATCAGTTCCTATTCCTCACCAGCAAGAGAACAAAATA-3'
Protein context (NP_003619.2, residues 1077-1097): DATHKGLYPG[Ser1087Pro]SKPSPIYISS